The following is an entry in ClinVar:

NC_012920.1(MT-ND2):m.4638A>G

Gene: MT-ND2 (mitochondrially encoded NADH dehydrogenase 2; plus strand).
Variant type: single nucleotide variant.
Genome position: chrM-4638-A-G.
Identifiers: ClinVar variation 692470 (VCV000692470.1), dbSNP rs878960801, ClinGen allele CA337096923.

ClinVar aggregate classification (germline): Uncertain significance (1 of 4 stars; one submission).

Conditions:
Leigh syndrome (NULS). Also called: Leigh's necrotizing encephalopathy; Leigh's disease; Leigh Syndrome (mtDNA deletion); Leigh Disease; Subacute necrotizing encephalopathy; Necrotizing encephalopathy infantile subacute of Leigh. Identifiers: Orphanet 506, MedGen C2931891, MONDO:0009723, OMIM 256000.

Submission:

Wong Mito Lab, Molecular and Human Genetics, Baylor College of Medicine
Classification: Uncertain significance for Leigh syndrome. Last evaluated: 2019-10-17. Review status: criteria provided, single submitter. Criteria: Modified ACMG Guidelines (Unpublished). Collection method: clinical testing. Allele origin: germline.
Comment: The NC_012920.1:m.4638A>G (YP_003024027.1:p.Ile57Val) variant in MTND2 gene is interpretated to be a Uncertain Significance variant based on the modified ACMG guidelines (unpublished). This variant meets the following evidence codes: BP4